The following is an entry in ClinVar:

ClinVar aggregate classification (germline): Uncertain significance (1 of 4 stars; one submission).

Conditions:
Early-infantile DEE. Also called: Early infantile epileptic encephalopathy; Ohtahara syndrome; Early infantile epileptic encephalopathy with suppression bursts. Identifiers: Orphanet 1934, MedGen C0393706, MONDO:0800491.

Submission:

Labcorp Genetics (formerly Invitae), Labcorp
Classification: Uncertain significance for Early-infantile DEE. Last evaluated: 2022-04-13. Review status: criteria provided, single submitter. Criteria: Invitae Variant Classification Sherloc (09022015). Collection method: clinical testing. Allele origin: germline.
Comment: In summary, the available evidence is currently insufficient to determine the role of this variant in disease. Therefore, it has been classified as a Variant of Uncertain Significance. Algorithms developed to predict the effect of missense changes on protein structure and function are either unavailable or do not agree on the potential impact of this missense change (SIFT: "Deleterious"; PolyPhen-2: "Not Available"; Align-GVGD: "Class C0"). ClinVar contains an entry for this variant (Variation ID: 661672). This variant has not been reported in the literature in individuals affected with CACNA2D2-related conditions. This variant is not present in population databases (gnomAD no frequency). This sequence change replaces proline, which is neutral and non-polar, with arginine, which is basic and polar, at codon 40 of the CACNA2D2 protein (p.Pro40Arg).

NM_006030.4(CACNA2D2):c.119C>G (p.Pro40Arg)

Gene: CACNA2D2 (calcium voltage-gated channel auxiliary subunit alpha2delta 2; minus strand). Cytogenetic location: 3p21.31.
Variant type: single nucleotide variant.
Coding change: c.119C>G on transcript NM_006030.4 (MANE Select); coding-DNA position 119, C replaced by G.
Protein change: p.Pro40Arg; replaces proline 40 with arginine.
Molecular consequence: missense variant. On other transcripts: intron variant (1).
Genome position (GRCh38, 1-based): chr3:50,503,305, G>C on the plus strand (C>G on the coding strand, the complement: CACNA2D2 is on the minus strand). VCF-style: chr3-50503305-G-C. GRCh37 (hg19) VCF-style: chr3-50540736-G-C.
Other names: c.119C>G, p.Pro40Arg (NM_001005505.3, NM_001174051.3); c.-2+764C>G (NM_001291101.1); short protein forms P40R.
Identifiers: ClinVar variation 661672 (VCV000661672.6), dbSNP rs1575798996, ClinGen allele CA353000339.
Genomic context (GRCh38, chr3:50,503,305, plus strand): 5'-GAGGCGCCGGGGGCGGCGAGCAGCGGTAGAAGCGGCAGCAGCAGCCACAGCGGGCGCGGG[G>C]GCCCGGACGTCGGGCGCCGGGTGCCGGGGCCAGGGTGGGGGCCGCAGCCGGGCCAGGGGC-3'
Protein context (NP_006021.2, residues 30-50): GPGTRRPTSG[Pro40Arg]PRPLWLLLPL